The following is an entry in ClinVar:

NM_007254.4(PNKP):c.755C>T (p.Ala252Val)

Gene: PNKP (polynucleotide kinase 3'-phosphatase; minus strand). Cytogenetic location: 19q13.33.
Variant type: single nucleotide variant.
Coding change: c.755C>T on transcript NM_007254.4 (MANE Select); coding-DNA position 755, C replaced by T.
Protein change: p.Ala252Val; replaces alanine 252 with valine.
Molecular consequence: missense variant.
Genome position (GRCh38, 1-based): chr19:49,863,750, G>A on the plus strand (C>T on the coding strand, the complement: PNKP is on the minus strand). VCF-style: chr19-49863750-G-A. GRCh37 (hg19) VCF-style: chr19-50367007-G-A.
Other names: short protein forms A252V.
Identifiers: ClinVar variation 1439334 (VCV001439334.6), dbSNP rs2122333454, ClinGen allele CA406884360.
Genomic context (GRCh38, chr19:49,863,750, plus strand): 5'-TGCTCCTGCAGATGGTCCCACATGCCCGTCACCGGCTTCCGGTACAAGCCTGCGTGCGTG[G>A]CCACCAGCACCTGTGGATGGGAGGGGGCCACCAGCTTTAGCTCCCCCTCAAGCACCTACT-3'
Protein context (NP_009185.2, residues 242-262): KLGVPFQVLV[Ala252Val]THAGLYRKPV

ClinVar aggregate classification (germline): Uncertain significance (1 of 4 stars; one submission).

Conditions:
Developmental and epileptic encephalopathy, 12 (DEE12). Identifiers: MedGen C3150988, MONDO:0013389, OMIM 613722.

Submission:

Labcorp Genetics (formerly Invitae), Labcorp
Classification: Uncertain significance for Developmental and epileptic encephalopathy, 12. Last evaluated: 2024-10-15. Review status: criteria provided, single submitter. Criteria: Invitae Variant Classification Sherloc (09022015). Collection method: clinical testing. Allele origin: germline.
Comment: This sequence change replaces alanine, which is neutral and non-polar, with valine, which is neutral and non-polar, at codon 252 of the PNKP protein (p.Ala252Val). This variant is not present in population databases (gnomAD no frequency). This variant has not been reported in the literature in individuals affected with PNKP-related conditions. ClinVar contains an entry for this variant (Variation ID: 1439334). Invitae Evidence Modeling of protein sequence and biophysical properties (such as structural, functional, and spatial information, amino acid conservation, physicochemical variation, residue mobility, and thermodynamic stability) indicates that this missense variant is expected to disrupt PNKP protein function with a positive predictive value of 80%. In summary, the available evidence is currently insufficient to determine the role of this variant in disease. Therefore, it has been classified as a Variant of Uncertain Significance.